The following is an entry in ClinVar:

ClinVar aggregate classification (germline): Uncertain significance (1 of 4 stars; one submission).

Conditions:
Brunner syndrome (BRNRS). Identifiers: Orphanet 3057, MedGen C0796275, MONDO:0010379, OMIM 300615.

Allele frequency attached by ClinVar (database versions not stated): gnomAD exomes 0.00001; gnomAD 0.00002; ExAC 0.00003.
gnomAD v4.1: 11 of 1,184,975 alleles (0.00093%); highest among the groups gnomAD compares: Admixed American, 0.011%; 1 homozygote.

Submission:

Labcorp Genetics (formerly Invitae), Labcorp
Classification: Uncertain significance for Brunner syndrome. Last evaluated: 2024-04-05. Review status: criteria provided, single submitter. Criteria: Invitae Variant Classification Sherloc (09022015). Collection method: clinical testing. Allele origin: germline.
Comment: This sequence change replaces isoleucine, which is neutral and non-polar, with valine, which is neutral and non-polar, at codon 55 of the MAOA protein (p.Ile55Val). This variant is present in population databases (rs747281025, gnomAD 0.008%). This variant has not been reported in the literature in individuals affected with MAOA-related conditions. Advanced modeling of protein sequence and biophysical properties (such as structural, functional, and spatial information, amino acid conservation, physicochemical variation, residue mobility, and thermodynamic stability) performed at Invitae indicates that this missense variant is not expected to disrupt MAOA protein function with a negative predictive value of 80%. In summary, the available evidence is currently insufficient to determine the role of this variant in disease. Therefore, it has been classified as a Variant of Uncertain Significance.

NM_000240.4(MAOA):c.163A>G (p.Ile55Val)

Gene: MAOA (monoamine oxidase A; plus strand). Cytogenetic location: Xp11.3.
Variant type: single nucleotide variant.
Coding change: c.163A>G on transcript NM_000240.4 (MANE Select); coding-DNA position 163, A replaced by G.
Protein change: p.Ile55Val; replaces isoleucine 55 with valine.
Molecular consequence: missense variant. On other transcripts: 5 prime UTR variant (1).
Genome position (GRCh38, 1-based): chrX:43,683,602, A>G. VCF-style: chrX-43683602-A-G. GRCh37 (hg19) VCF-style: chrX-43542850-A-G.
Other names: c.-237A>G (NM_001270458.2); short protein forms I55V.
Identifiers: ClinVar variation 2698771 (VCV002698771.3), dbSNP rs747281025, ClinGen allele CA10390724.